The following is an entry in ClinVar:

NM_005026.5(PIK3CD):c.1475T>C (p.Leu492Ser)

Gene: PIK3CD (phosphatidylinositol-4,5-bisphosphate 3-kinase catalytic subunit delta; plus strand). Cytogenetic location: 1p36.22.
Variant type: single nucleotide variant.
Coding change: c.1475T>C on transcript NM_005026.5 (MANE Select); coding-DNA position 1475, T replaced by C.
Protein change: p.Leu492Ser; replaces leucine 492 with serine.
Molecular consequence: missense variant.
Genome position (GRCh38, 1-based): chr1:9,720,615, T>C. VCF-style: chr1-9720615-T-C. GRCh37 (hg19) VCF-style: chr1-9780673-T-C.
Other names: c.1475T>C, p.Leu492Ser (NM_001350234.2); c.1388T>C, p.Leu463Ser (NM_001350235.1); short protein forms L463S, L492S.
Identifiers: ClinVar variation 2867028 (VCV002867028.3), dbSNP rs2525022913, ClinGen allele CA338303596.

ClinVar aggregate classification (germline): Uncertain significance (1 of 4 stars; one submission).

Conditions:
Immunodeficiency 14 (IMD14A). Also called: ACTIVATED PI3K-DELTA SYNDROME 1; p110-DELTA-ACTIVATING MUTATION CAUSING SENESCENT T CELLS, LYMPHADENOPATHY, AND IMMUNODEFICIENCY; Activated PI3K Delta Syndrome Type 1 (APDS1); IMMUNODEFICIENCY 14A WITH LYMPHOPROLIFERATION, AUTOSOMAL DOMINANT. Identifiers: Orphanet 397596, Orphanet 693661, MedGen C5907821, MONDO:0014222, OMIM 615513.

Submission:

Labcorp Genetics (formerly Invitae), Labcorp
Classification: Uncertain significance for Activated PI3K-delta syndrome. Last evaluated: 2023-07-22. Review status: criteria provided, single submitter. Criteria: Invitae Variant Classification Sherloc (09022015). Collection method: clinical testing. Allele origin: germline.
Comment: Advanced modeling of protein sequence and biophysical properties (such as structural, functional, and spatial information, amino acid conservation, physicochemical variation, residue mobility, and thermodynamic stability) performed at Invitae indicates that this missense variant is not expected to disrupt PIK3CD protein function. This variant has not been reported in the literature in individuals affected with PIK3CD-related conditions. This variant is not present in population databases (gnomAD no frequency). This sequence change replaces leucine, which is neutral and non-polar, with serine, which is neutral and polar, at codon 492 of the PIK3CD protein (p.Leu492Ser). In summary, the available evidence is currently insufficient to determine the role of this variant in disease. Therefore, it has been classified as a Variant of Uncertain Significance.